The following is an entry in ClinVar:

NM_017849.4(TMEM127):c.556G>T (p.Ala186Ser)

Gene: TMEM127 (transmembrane protein 127; minus strand). Cytogenetic location: 2q11.2.
Variant type: single nucleotide variant.
Coding change: c.556G>T on transcript NM_017849.4 (MANE Select); coding-DNA position 556, G replaced by T.
Protein change: p.Ala186Ser; replaces alanine 186 with serine.
Molecular consequence: missense variant.
Genome position (GRCh38, 1-based): chr2:96,253,969, C>A on the plus strand (G>T on the coding strand, the complement: TMEM127 is on the minus strand). VCF-style: chr2-96253969-C-A. GRCh37 (hg19) VCF-style: chr2-96919707-C-A.
Other names: c.556G>T, p.Ala186Ser (NM_001193304.3); c.304G>T, p.Ala102Ser (NM_001407282.1, NM_001407283.1); short protein forms A186S, A102S.
Identifiers: ClinVar variation 1748365 (VCV001748365.6), dbSNP rs764012422, ClinGen allele CA1777283.

ClinVar aggregate classification (germline): Uncertain significance. Review status: criteria provided, multiple submitters, no conflicts (2 of 4 stars). 2 submissions from 2 submitters: Uncertain significance (2). Last evaluated 2024-12-16.

Conditions:
Hereditary pheochromocytoma and paraganglioma. Also called: Hereditary pheochromocytoma-paraganglioma; Hereditary paragangliomas and pheochromocytomas; Hereditary Paraganglioma-Pheochromocytoma Syndromes. Identifiers: Orphanet 29072, MedGen C4274332, MONDO:0017366.
Hereditary cancer-predisposing syndrome. Also called: Neoplastic Syndromes, Hereditary; Tumor predisposition; Hereditary Cancer Syndrome; Hereditary neoplastic syndrome. Identifiers: Orphanet 140162, MedGen C0027672, MeSH D009386, MONDO:0015356.

Allele frequency attached by ClinVar (database versions not stated): gnomAD exomes below 0.00001; ExAC 0.00001.
gnomAD v4.1: 1 of 1,614,162 alleles (0.000062%); highest among the groups gnomAD compares: Non-Finnish European, 0.000085%; no homozygotes.

Submissions (2):

Ambry Genetics
Classification: Uncertain significance for Hereditary cancer-predisposing syndrome. Last evaluated: 2024-12-16. Review status: criteria provided, single submitter. Criteria: Ambry Variant Classification Scheme 2023. Collection method: clinical testing. Allele origin: germline.
Comment: The p.A186S variant (also known as c.556G>T), located in coding exon 3 of the TMEM127 gene, results from a G to T substitution at nucleotide position 556. The alanine at codon 186 is replaced by serine, an amino acid with similar properties. This amino acid position is highly conserved in available vertebrate species. In addition, the in silico prediction for this alteration is inconclusive. Since supporting evidence is limited at this time, the clinical significance of this alteration remains unclear.

Labcorp Genetics (formerly Invitae), Labcorp
Classification: Uncertain significance for Hereditary pheochromocytoma and paraganglioma. Last evaluated: 2023-04-28. Review status: criteria provided, single submitter. Criteria: Invitae Variant Classification Sherloc (09022015). Collection method: clinical testing. Allele origin: germline.
Comment: In summary, the available evidence is currently insufficient to determine the role of this variant in disease. Therefore, it has been classified as a Variant of Uncertain Significance. An algorithm developed to predict the effect of missense changes on protein structure and function (PolyPhen-2) suggests that this variant is likely to be disruptive. ClinVar contains an entry for this variant (Variation ID: 1748365). This variant has not been reported in the literature in individuals affected with TMEM127-related conditions. This variant is present in population databases (rs764012422, gnomAD 0.0009%). This sequence change replaces alanine, which is neutral and non-polar, with serine, which is neutral and polar, at codon 186 of the TMEM127 protein (p.Ala186Ser).